The following is an entry in ClinVar:

NM_030962.4(SBF2):c.3316A>G (p.Met1106Val)

Genes: SBF2 (SET binding factor 2; minus strand), LOC101928008 (uncharacterized LOC101928008; plus strand). Cytogenetic location: 11p15.4.
Variant type: single nucleotide variant.
Coding change: c.3316A>G on transcript NM_030962.4 (MANE Select); coding-DNA position 3316, A replaced by G.
Protein change: p.Met1106Val; replaces methionine 1106 with valine.
Molecular consequence: missense variant.
Genome position (GRCh38, 1-based): chr11:9,839,637, T>C on the plus strand (A>G on the coding strand, the complement: SBF2 is on the minus strand). VCF-style: chr11-9839637-T-C. GRCh37 (hg19) VCF-style: chr11-9861184-T-C.
Other names: c.3316A>G, p.Met1106Val (NM_001386339.1); c.3187A>G, p.Met1063Val (NM_001386342.1); short protein forms M1106V, M1063V.
Identifiers: ClinVar variation 916933 (VCV000916933.6), dbSNP rs753427715, ClinGen allele CA5881305.

ClinVar aggregate classification (germline): Uncertain significance. Review status: criteria provided, multiple submitters, no conflicts (2 of 4 stars). 3 submissions from 3 submitters: Uncertain significance (3). Last evaluated 2025-10-22.

Conditions:
Charcot-Marie-Tooth disease. Also called: Charcot-Marie-Tooth Hereditary Neuropathy; Charcot-Marie-Tooth Neuropathy. Identifiers: Orphanet 166, MedGen C0007959, MONDO:0015626.
Charcot-Marie-Tooth disease type 4. Also called: Charcot-Marie-Tooth, Type 4; Charcot-Marie-Tooth disease, type IV. Identifiers: Orphanet 64749, MedGen C4082197, MONDO:0018995.

Allele frequency attached by ClinVar (database versions not stated): ExAC 0.00002; TOPMed 0.00002; gnomAD 0.00001; gnomAD exomes 0.00001.

Submissions (3):

Women's Health and Genetics/Laboratory Corporation of America, LabCorp
Classification: Uncertain significance. Last evaluated: 2025-10-22. Review status: criteria provided, single submitter. Criteria: LabCorp Variant Classification Summary - May 2015. Collection method: clinical testing. Allele origin: germline.
Comment: Variant summary: SBF2 c.3316A>G (p.Met1106Val) results in a conservative amino acid change in the encoded protein sequence. Algorithms developed to predict the effect of missense changes on protein structure and function are either unavailable or do not agree on the potential impact of this missense change. The variant allele was found at a frequency of 1.2e-05 in 251490 control chromosomes. The available data on variant occurrences in the general population are insufficient to allow any conclusion about variant significance. c.3316A>G has been observed in an unknown state in individual(s) affected with Charcot-Marie-Tooth disease (Volodarsky_2021). These report(s) do not provide unequivocal conclusions about association of the variant with Charcot-Marie-Tooth disease type 4B2. To our knowledge, no experimental evidence demonstrating an impact on protein function has been reported. The following publication has been ascertained in the context of this evaluation (PMID: 32376792). ClinVar contains an entry for this variant (Variation ID: 916933). Based on the evidence outlined above, the variant was classified as uncertain significance.

Labcorp Genetics (formerly Invitae), Labcorp
Classification: Uncertain significance for Charcot-Marie-Tooth disease type 4. Last evaluated: 2022-08-09. Review status: criteria provided, single submitter. Criteria: Invitae Variant Classification Sherloc (09022015). Collection method: clinical testing. Allele origin: germline.
Comment: This sequence change replaces methionine, which is neutral and non-polar, with valine, which is neutral and non-polar, at codon 1106 of the SBF2 protein (p.Met1106Val). This variant is present in population databases (rs753427715, gnomAD 0.005%). This missense change has been observed in individual(s) with Charcot-Marie-Tooth disease (PMID: 32376792). ClinVar contains an entry for this variant (Variation ID: 916933). Algorithms developed to predict the effect of missense changes on protein structure and function (SIFT, PolyPhen-2, Align-GVGD) all suggest that this variant is likely to be tolerated. In summary, the available evidence is currently insufficient to determine the role of this variant in disease. Therefore, it has been classified as a Variant of Uncertain Significance.

Molecular Genetics Laboratory, London Health Sciences Centre
Classification: Uncertain significance for Charcot-Marie-Tooth disease. Review status: criteria provided, single submitter. Criteria: ACMG Guidelines, 2015. Collection method: clinical testing. Allele origin: germline. Affected: yes.

Literature cited by the submitters: PubMed 32376792 (cited by Women's Health and Genetics/Laboratory Corporation of America, LabCorp and Labcorp Genetics (formerly Invitae), Labcorp).